The following is an entry in ClinVar:

ClinVar aggregate classification (germline): Likely pathogenic (1 of 4 stars; one submission).

Conditions:
Lethal congenital contracture syndrome 11 (LCCS11). Identifiers: MedGen C4310670, MONDO:0014965, OMIM 617194.

Submission:

Juno Genomics, Hangzhou Juno Genomics, Inc
Classification: Likely pathogenic for Lethal congenital contracture syndrome 11. Review status: criteria provided, single submitter. Criteria: ACMG Guidelines, 2015. Collection method: clinical testing. Allele origin: germline.
Comment: Null variant in a gene where loss of function (LOF) is a known mechanism of disease.;Absent from controls (or at extremely low frequency if recessive) in Genome Aggregation Database.

NM_181789.4(GLDN):c.367C>T (p.Arg123Ter)

Gene: GLDN (gliomedin; plus strand). Cytogenetic location: 15q21.2.
Variant type: single nucleotide variant.
Coding change: c.367C>T on transcript NM_181789.4 (MANE Select); coding-DNA position 367, C replaced by T.
Protein change: p.Arg123Ter; replaces arginine 123 with a stop codon.
Molecular consequence: nonsense. On other transcripts: 5 prime UTR variant (1).
Genome position (GRCh38, 1-based): chr15:51,377,452, C>T. VCF-style: chr15-51377452-C-T. GRCh37 (hg19) VCF-style: chr15-51669649-C-T.
Other names: c.-6C>T (NM_001330297.2); short protein forms R123*.
Identifiers: ClinVar variation 5005430 (VCV005005430.2).